The following is an entry in ClinVar:

NM_001318895.3(FHL2):c.607C>T (p.Arg203Cys)

Genes: C2orf49 (chromosome 2 open reading frame 49; plus strand), FHL2 (four and a half LIM domains 2; minus strand). Cytogenetic location: 2q12.2.
Variant type: single nucleotide variant.
Coding change: c.607C>T on transcript NM_001318895.3 (MANE Select); coding-DNA position 607, C replaced by T.
Protein change: p.Arg203Cys; replaces arginine 203 with cysteine.
Molecular consequence: missense variant.
Genome position (GRCh38, 1-based): chr2:105,363,366, G>A on the plus strand (C>T on the coding strand, the complement: FHL2 is on the minus strand). VCF-style: chr2-105363366-G-A. GRCh37 (hg19) VCF-style: chr2-105979823-G-A.
Other names: c.607C>T, p.Arg203Cys (NM_001039492.3, NM_001318894.1, NM_001318896.2 and 4 more transcripts); c.265C>T, p.Arg89Cys (NM_001318897.2, NM_001318898.2); c.283C>T, p.Arg95Cys (NM_001318899.2); short protein forms R95C, R203C, R89C.
Identifiers: ClinVar variation 4741916 (VCV004741916.1).

ClinVar aggregate classification (germline): Uncertain significance (1 of 4 stars; one submission).

Conditions:
Primary dilated cardiomyopathy (DCM). Also called: Dilated Cardiomyopathy. Identifiers: Orphanet 217604, MedGen C0007193, MeSH D002311, MONDO:0005021, HP:0001644. Inheritance: Various modes of inheritance.

gnomAD v4.1: 16 of 1,614,182 alleles (0.00099%); highest among the groups gnomAD compares: Admixed American, 0.0017%; no homozygotes.

Submission:

Labcorp Genetics (formerly Invitae), Labcorp
Classification: Uncertain significance for Primary dilated cardiomyopathy. Last evaluated: 2025-03-30. Review status: criteria provided, single submitter. Criteria: Invitae Variant Classification Sherloc (09022015). Collection method: clinical testing. Allele origin: germline.
Comment: This sequence change replaces arginine, which is basic and polar, with cysteine, which is neutral and slightly polar, at codon 203 of the FHL2 protein (p.Arg203Cys). This variant is present in population databases (no rsID available, gnomAD 0.004%). This variant has not been reported in the literature in individuals affected with FHL2-related conditions. Invitae Evidence Modeling of protein sequence and biophysical properties (such as structural, functional, and spatial information, amino acid conservation, physicochemical variation, residue mobility, and thermodynamic stability) indicates that this missense variant is not expected to disrupt FHL2 protein function with a negative predictive value of 80%. In summary, the available evidence is currently insufficient to determine the role of this variant in disease. Therefore, it has been classified as a Variant of Uncertain Significance.